The following is an entry in ClinVar:

NM_004927.4(MRPL49):c.39G>A (p.Trp13Ter)

Genes: MRPL49 (mitochondrial ribosomal protein L49; plus strand), LOC130005993 (ATAC-STARR-seq lymphoblastoid active region 4944; plus strand). Cytogenetic location: 11q13.1.
Variant type: single nucleotide variant.
Coding change: c.39G>A on transcript NM_004927.4 (MANE Select); coding-DNA position 39, G replaced by A.
Protein change: p.Trp13Ter; replaces tryptophan 13 with a stop codon.
Molecular consequence: nonsense. On other transcripts: non-coding transcript variant (1).
Genome position (GRCh38, 1-based): chr11:65,122,385, G>A. VCF-style: chr11-65122385-G-A. GRCh37 (hg19) VCF-style: chr11-64889857-G-A.
Other names: short protein forms W13*.
Identifiers: ClinVar variation 4850418 (VCV004850418.1).

ClinVar aggregate classification (germline): Likely pathogenic (1 of 4 stars; one submission).

Conditions:
Combined oxidative phosphorylation deficiency 60. Identifiers: MedGen C6012722, MONDO:0978298, OMIM 621195.

Submission:

First Genomix Gene Laboratory, Genetic Diagnostics Department
Classification: Likely pathogenic for Combined oxidative phosphorylation deficiency 60. Last evaluated: 2025-09-19. Review status: criteria provided, single submitter. Criteria: ACMG Guidelines, 2015. Collection method: clinical testing. Allele origin: germline. Inheritance: Autosomal recessive inheritance. Affected: no. Observed: 1 variant allele.